The following is an entry in ClinVar:

NM_015047.3(EMC1):c.1028A>G (p.Gln343Arg)

Genes: EMC1 (ER membrane protein complex subunit 1; minus strand), EMC1-AS1 (EMC1 antisense RNA 1; plus strand). Cytogenetic location: 1p36.13.
Variant type: single nucleotide variant.
Coding change: c.1028A>G on transcript NM_015047.3 (MANE Select); coding-DNA position 1028, A replaced by G.
Protein change: p.Gln343Arg; replaces glutamine 343 with arginine.
Molecular consequence: missense variant. On other transcripts: splice acceptor variant (2).
Genome position (GRCh38, 1-based): chr1:19,238,856, T>C on the plus strand (A>G on the coding strand, the complement: EMC1 is on the minus strand). VCF-style: chr1-19238856-T-C. GRCh37 (hg19) VCF-style: chr1-19565350-T-C.
Other names: c.1028A>G (NM_015047.1); c.1028A>G, p.Gln343Arg (NM_001271428.2, NM_001375820.1); c.962A>G, p.Gln321Arg (NM_001271429.2); c.1027-2A>G (NM_001271427.2, NM_001375821.1); short protein forms Q321R, Q343R.
Identifiers: ClinVar variation 1483358 (VCV001483358.7), dbSNP rs2093585767, ClinGen allele CA338767211.

ClinVar aggregate classification (germline): Uncertain significance. Review status: criteria provided, multiple submitters, no conflicts (2 of 4 stars). 2 submissions from 2 submitters: Uncertain significance (2). Last evaluated 2023-12-19.

Conditions:
Inborn genetic diseases. Identifiers: MedGen C0950123, MeSH D030342.

Allele frequency attached by ClinVar (database versions not stated): gnomAD 0.00001.
gnomAD v4.1: 1 of 1,598,978 alleles (0.000063%); highest among the groups gnomAD compares: Admixed American, 0.0017%; no homozygotes.

Submissions (2):

Ambry Genetics
Classification: Uncertain significance for Inborn genetic diseases. Last evaluated: 2023-12-19. Review status: criteria provided, single submitter. Criteria: Ambry Variant Classification Scheme 2023. Collection method: clinical testing. Allele origin: germline.

Labcorp Genetics (formerly Invitae), Labcorp
Classification: Uncertain significance. Last evaluated: 2021-10-21. Review status: criteria provided, single submitter. Criteria: Invitae Variant Classification Sherloc (09022015). Collection method: clinical testing. Allele origin: germline.
Comment: This sequence change replaces glutamine with arginine at codon 343 of the EMC1 protein (p.Gln343Arg). The glutamine residue is moderately conserved and there is a small physicochemical difference between glutamine and arginine. This variant is not present in population databases (ExAC no frequency). This variant has not been reported in the literature in individuals affected with EMC1-related conditions. Algorithms developed to predict the effect of missense changes on protein structure and function (SIFT, PolyPhen-2, Align-GVGD) all suggest that this variant is likely to be tolerated. In summary, the available evidence is currently insufficient to determine the role of this variant in disease. Therefore, it has been classified as a Variant of Uncertain Significance.